The following is an entry in ClinVar:

ClinVar aggregate classification (germline): Benign. Review status: criteria provided, multiple submitters, no conflicts (2 of 4 stars). 3 submissions from 3 submitters: Benign (3). Last evaluated 2023-11-12.

Allele frequency attached by ClinVar (database versions not stated): gnomAD exomes 0.37502; gnomAD 0.42372 and 0.42376; TOPMed 0.43250; 1000 Genomes Project 0.47464; 1000 Genomes Project 30x 0.47611.
gnomAD v4.1: 491,393 of 1,290,764 alleles (38%); highest among the groups gnomAD compares: Admixed American, 56%; 97,826 homozygotes.

Submissions (3):

Unidad de Genómica Garrahan, Hospital de Pediatría Garrahan
Classification: Benign. Last evaluated: 2023-11-12. Review status: criteria provided, single submitter. Criteria: ACMG Guidelines, 2015. Collection method: clinical testing. Allele origin: germline. Affected: no. Observed: 62 variant alleles.
Comment: This variant is classified as Benign based on local population frequency. This variant was detected in 65% of patients studied by a panel of primary immunodeficiencies. Number of patients: 62. Only high quality variants are reported.

GeneDx
Classification: Benign. Last evaluated: 2018-11-12. Review status: criteria provided, single submitter. Criteria: GeneDx Variant Classification Process June 2021. Collection method: clinical testing. Allele origin: germline. Affected: yes.

Breakthrough Genomics
Classification: Benign. Review status: criteria provided, single submitter. Criteria: ACMG Guidelines, 2015. Collection method: not provided. Allele origin: germline. Inheritance: Autosomal recessive inheritance. Affected: yes.

NM_015932.6(POMP):c.4-58C>T

Gene: POMP (proteasome maturation protein; plus strand). Cytogenetic location: 13q12.3.
Variant type: single nucleotide variant.
Coding change: c.4-58C>T on transcript NM_015932.6 (MANE Select); 58 bases into the intron before coding-DNA position 4, C replaced by T.
Molecular consequence: intron variant.
Genome position (GRCh38, 1-based): chr13:28,662,352, C>T. VCF-style: chr13-28662352-C-T. GRCh37 (hg19) VCF-style: chr13-29236489-C-T.
Identifiers: ClinVar variation 1288406 (VCV001288406.4), dbSNP rs1340815, ClinGen allele CA15777369.
Genomic context (GRCh38, chr13:28,662,352, plus strand): 5'-ACTTTTTGAGGGCCTCTTATTTTTCTGTCTCCTACTTAAACAATATTTTTGACACAGCTG[C>T]CTGGGTGTGTGTTTAAATTTTTTTTCTATTTAATAATGTTTTTTATTTGTGTTGTAGAAT-3'